The following is an entry in ClinVar:

NM_001039876.3(SYNE4):c.77C>T (p.Ala26Val)

Gene: SYNE4 (spectrin repeat containing nuclear envelope family member 4; minus strand). Cytogenetic location: 19q13.12.
Variant type: single nucleotide variant.
Coding change: c.77C>T on transcript NM_001039876.3 (MANE Select); coding-DNA position 77, C replaced by T.
Protein change: p.Ala26Val; replaces alanine 26 with valine.
Molecular consequence: missense variant.
Genome position (GRCh38, 1-based): chr19:36,008,605, G>A on the plus strand (C>T on the coding strand, the complement: SYNE4 is on the minus strand). VCF-style: chr19-36008605-G-A. GRCh37 (hg19) VCF-style: chr19-36499507-G-A.
Other names: c.77C>T, p.Ala26Val (NM_001297735.3); c.77C>T (NM_001039876.1); short protein forms A26V.
Identifiers: ClinVar variation 1357588 (VCV001357588.7), dbSNP rs757752683, ClinGen allele CA9394063.
Genomic context (GRCh38, chr19:36,008,605, plus strand): 5'-GGCCCCCACCTCGTGCTCTCCTCTCCGGACGCGGGGCAGACGGTGCATCCAACAATGTCC[G>A]CCTCTCTAGGTGCTCCCGGTGGGTGGTTGAGGGGCTCTGAGCCAAGTCTAGGGCCCAGAG-3'
Protein context (NP_001034965.1, residues 16-36): LNHPPGAPRE[Ala26Val]DIVGCTVCPA

ClinVar aggregate classification (germline): Uncertain significance. Review status: criteria provided, multiple submitters, no conflicts (2 of 4 stars). 2 submissions from 2 submitters: Uncertain significance (2). Last evaluated 2024-11-05.

Allele frequency attached by ClinVar (database versions not stated): gnomAD exomes 0.00001 and 0.00007; gnomAD 0.00003; TOPMed 0.00005; ExAC 0.00009.
gnomAD v4.1: 26 of 1,613,894 alleles (0.0016%); highest among the groups gnomAD compares: East Asian, 0.047%; no homozygotes.

Submissions (2):

Labcorp Genetics (formerly Invitae), Labcorp
Classification: Uncertain significance. Last evaluated: 2024-11-05. Review status: criteria provided, single submitter. Criteria: Invitae Variant Classification Sherloc (09022015). Collection method: clinical testing. Allele origin: germline.
Comment: This sequence change replaces alanine, which is neutral and non-polar, with valine, which is neutral and non-polar, at codon 26 of the SYNE4 protein (p.Ala26Val). This variant is present in population databases (rs757752683, gnomAD 0.07%). This variant has not been reported in the literature in individuals affected with SYNE4-related conditions. ClinVar contains an entry for this variant (Variation ID: 1357588). Invitae Evidence Modeling of protein sequence and biophysical properties (such as structural, functional, and spatial information, amino acid conservation, physicochemical variation, residue mobility, and thermodynamic stability) indicates that this missense variant is not expected to disrupt SYNE4 protein function with a negative predictive value of 80%. In summary, the available evidence is currently insufficient to determine the role of this variant in disease. Therefore, it has been classified as a Variant of Uncertain Significance.

Ambry Genetics
Classification: Uncertain significance. Last evaluated: 2024-07-26. Review status: criteria provided, single submitter. Criteria: Ambry Variant Classification Scheme 2023. Collection method: clinical testing. Allele origin: germline.